The following is an entry in ClinVar:

ClinVar aggregate classification (germline): Likely benign (1 of 4 stars; one submission).

Conditions:
Tumoral calcinosis, hyperphosphatemic, familial, 3. Identifiers: MedGen C4693864, MONDO:0060715, OMIM 617994.

Allele frequency attached by ClinVar (database versions not stated): gnomAD exomes 0.00222; gnomAD 0.01175; TOPMed 0.01252; 1000 Genomes Project 0.01358; 1000 Genomes Project 30x 0.01452.

Submission:

Illumina Laboratory Services, Illumina
Classification: Likely benign for Tumoral calcinosis, hyperphosphatemic, familial, 3. Last evaluated: 2017-04-27. Review status: criteria provided, single submitter. Criteria: ICSL Variant Classification Criteria 13 December 2019. Collection method: clinical testing. Allele origin: germline.
Comment: This variant was observed as part of a predisposition screen in an ostensibly healthy population. A literature search was performed for the gene, cDNA change, and amino acid change (where applicable). No publications were found based on this search. Allele frequency data from public databases allowed determination this variant is unlikely to cause disease. Therefore, this variant is classified as likely benign.

NM_004795.4(KL):c.*407T>C

Gene: KL (klotho; plus strand). Cytogenetic location: 13q13.1.
Variant type: single nucleotide variant.
Coding change: c.*407T>C on transcript NM_004795.4 (MANE Select); 407 bases downstream of the stop codon, T replaced by C.
Molecular consequence: 3 prime UTR variant.
Genome position (GRCh38, 1-based): chr13:33,064,593, T>C. VCF-style: chr13-33064593-T-C. GRCh37 (hg19) VCF-style: chr13-33638730-T-C.
Identifiers: ClinVar variation 311715 (VCV000311715.5), dbSNP rs75520088, ClinGen allele CA10639316.